The following is an entry in ClinVar:

NM_000384.3(APOB):c.5752G>T (p.Ala1918Ser)

Gene: APOB (apolipoprotein B; minus strand). Cytogenetic location: 2p24.1.
Variant type: single nucleotide variant.
Coding change: c.5752G>T on transcript NM_000384.3 (MANE Select); coding-DNA position 5752, G replaced by T.
Protein change: p.Ala1918Ser; replaces alanine 1918 with serine.
Molecular consequence: missense variant.
Genome position (GRCh38, 1-based): chr2:21,011,116, C>A on the plus strand (G>T on the coding strand, the complement: APOB is on the minus strand). VCF-style: chr2-21011116-C-A. GRCh37 (hg19) VCF-style: chr2-21233988-C-A.
Other names: short protein forms A1918S.
Identifiers: ClinVar variation 2565841 (VCV002565841.2), dbSNP rs761213870, ClinGen allele CA346004055.
Genomic context (GRCh38, chr2:21,011,116, plus strand): 5'-GAGGTTCTGCTTTCAACAGGAATTTGCTATACAGCTGCCCAGTATGTTCTCCCCAGAGAG[C>A]GAGTTTCCCATTGCCATTTGTATGTGCATCGATGGTCATGGTAAACGGGGCCATTACAGA-3'
Protein context (NP_000375.3, residues 1908-1928): DAHTNGNGKL[Ala1918Ser]LWGEHTGQLY

ClinVar aggregate classification (germline): Uncertain significance (1 of 4 stars; one submission).

Conditions:
Cardiovascular phenotype. Identifiers: MedGen CN230736.

Submission:

Ambry Genetics
Classification: Uncertain significance for Cardiovascular phenotype. Last evaluated: 2023-04-05. Review status: criteria provided, single submitter. Criteria: Ambry Variant Classification Scheme 2023. Collection method: clinical testing. Allele origin: germline.
Comment: The p.A1918S variant (also known as c.5752G>T), located in coding exon 26 of the APOB gene, results from a G to T substitution at nucleotide position 5752. The alanine at codon 1918 is replaced by serine, an amino acid with similar properties. This amino acid position is conserved. In addition, this alteration is predicted to be tolerated by in silico analysis. Since supporting evidence is limited at this time, the clinical significance of this alteration remains unclear.